The following is an entry in ClinVar:

ClinVar aggregate classification (germline): Likely benign. Review status: criteria provided, single submitter (1 of 4 stars). 2 submissions from 2 submitters: Likely benign (1). 1 of the submissions does not count toward it. Last evaluated 2024-03-15.

Conditions:
CDC42BPB-related disorder.

Allele frequency attached by ClinVar (database versions not stated): TOPMed 0.00017; ExAC 0.00019; gnomAD 0.00019; 1000 Genomes Project 0.00020; ESP Exome Variant Server 0.00023; 1000 Genomes Project 30x 0.00031; gnomAD exomes 0.00033.
gnomAD v4.1: 501 of 1,613,152 alleles (0.031%); highest among the groups gnomAD compares: Non-Finnish European, 0.04%; 2 homozygotes.

Submissions (2):

Blueprint Genetics
Classification: Likely benign. Last evaluated: 2024-03-15. Review status: criteria provided, single submitter. Criteria: ACMG Guidelines, 2015. Collection method: clinical testing. Allele origin: germline.

PreventionGenetics, part of Exact Sciences
Classification: Likely benign for CDC42BPB-related condition. Last evaluated: 2019-11-25. Review status: no assertion criteria provided. Collection method: clinical testing. Allele origin: germline. Not counted in ClinVar's aggregate classification.
Comment: This variant is classified as likely benign based on ACMG/AMP sequence variant interpretation guidelines (Richards et al. 2015 PMID: 25741868, with internal and published modifications).

NM_006035.4(CDC42BPB):c.3921G>A (p.Pro1307=)

Gene: CDC42BPB (CDC42 binding protein kinase beta; minus strand). Cytogenetic location: 14q32.32.
Variant type: single nucleotide variant.
Coding change: c.3921G>A on transcript NM_006035.4 (MANE Select); coding-DNA position 3921, G replaced by A.
Protein change: p.Pro1307=; no amino-acid change (proline 1307 retained).
Molecular consequence: synonymous variant.
Genome position (GRCh38, 1-based): chr14:102,944,378, C>T on the plus strand (G>A on the coding strand, the complement: CDC42BPB is on the minus strand). VCF-style: chr14-102944378-C-T. GRCh37 (hg19) VCF-style: chr14-103410715-C-T.
Other names: c.3843G>A, p.Pro1281= (NM_001411054.1).
Identifiers: ClinVar variation 3049207 (VCV003049207.3), dbSNP rs141912309, ClinGen allele CA7360564.
Genomic context (GRCh38, chr14:102,944,378, plus strand): 5'-GCCTTTGGTTTCCGGAAGCTTGATGTCAAAGCTGCCTTCCGCTCCATCAAGGGACGACCA[C>T]GGATAGAGGTGCACATGGTGGTTCCGGCCACAGAGGAGGATTACGATCTTCTCCCTGGGA-3'
Protein context (NP_006026.3, residues 1297-1317): CGRNHHVHLY[Pro1307=]WSSLDGAEGS